The following is an entry in ClinVar:

NM_017534.6(MYH2):c.5180C>T (p.Thr1727Ile)

Genes: MYH2 (myosin heavy chain 2; minus strand), MYHAS (myosin heavy chain gene cluster antisense RNA; plus strand). Cytogenetic location: 17p13.1.
Variant type: single nucleotide variant.
Coding change: c.5180C>T on transcript NM_017534.6 (MANE Select); coding-DNA position 5180, C replaced by T.
Protein change: p.Thr1727Ile; replaces threonine 1727 with isoleucine.
Molecular consequence: missense variant.
Genome position (GRCh38, 1-based): chr17:10,523,880, G>A on the plus strand (C>T on the coding strand, the complement: MYH2 is on the minus strand). VCF-style: chr17-10523880-G-A. GRCh37 (hg19) VCF-style: chr17-10427197-G-A.
Other names: c.5180C>T, p.Thr1727Ile (NM_001100112.2); short protein forms T1727I.
Identifiers: ClinVar variation 1003991 (VCV001003991.5), dbSNP rs750223323, ClinGen allele CA398118406.
Genomic context (GRCh38, chr17:10,523,880, plus strand): 5'-ATCTCTCCTTGCATTTGGGAAATATCTGTCTCCAGCTTCTTCTTGGTGTTGATCAGGCTG[G>A]TGTTCTGTTTAAAAAGAATTTGTACATTTAAAAAATTGTGTTACCAAAGTATTTATTGGT-3'
Protein context (NP_060004.3, residues 1717-1737): ERVQLLHTQN[Thr1727Ile]SLINTKKKLE

ClinVar aggregate classification (germline): Uncertain significance (1 of 4 stars; one submission).

Conditions:
Myopathy, proximal, and ophthalmoplegia (CMYO6). Also called: INCLUSION BODY MYOPATHY 3, AUTOSOMAL DOMINANT; CONGENITAL MYOPATHY 6 WITH OPHTHALMOPLEGIA; MYOPATHY WITH CONGENITAL JOINT CONTRACTURES, OPHTHALMOPLEGIA, AND RIMMED VACUOLES. Identifiers: Orphanet 363677, Orphanet 79091, MedGen C1854106, MONDO:0011577, OMIM 605637.

Allele frequency attached by ClinVar (database versions not stated): TOPMed 0.00002.
gnomAD v4.1: 5 of 1,613,268 alleles (0.00031%); highest among the groups gnomAD compares: Non-Finnish European, 0.00042%; no homozygotes.

Submission:

Labcorp Genetics (formerly Invitae), Labcorp
Classification: Uncertain significance for Myopathy, proximal, and ophthalmoplegia. Last evaluated: 2020-09-11. Review status: criteria provided, single submitter. Criteria: Invitae Variant Classification Sherloc (09022015). Collection method: clinical testing. Allele origin: germline.
Comment: In summary, the available evidence is currently insufficient to determine the role of this variant in disease. Therefore, it has been classified as a Variant of Uncertain Significance. Algorithms developed to predict the effect of missense changes on protein structure and function are either unavailable or do not agree on the potential impact of this missense change (SIFT: "Deleterious"; PolyPhen-2: "Benign"; Align-GVGD: "Class C65"). This variant has not been reported in the literature in individuals with MYH2-related conditions. This variant is not present in population databases (ExAC no frequency). This sequence change replaces threonine with isoleucine at codon 1727 of the MYH2 protein (p.Thr1727Ile). The threonine residue is highly conserved and there is a moderate physicochemical difference between threonine and isoleucine.